The following is an entry in ClinVar:

ClinVar aggregate classification (germline): Likely benign. Review status: criteria provided, multiple submitters, no conflicts (2 of 4 stars). 3 submissions from 3 submitters: Likely benign (3). Last evaluated 2025-01-22.

Conditions:
Juvenile polyposis syndrome (JPS). Identifiers: Orphanet 2929, MedGen C0345893, MONDO:0017380, OMIM 174900.
Hereditary cancer-predisposing syndrome. Also called: Neoplastic Syndromes, Hereditary; Tumor predisposition; Hereditary Cancer Syndrome; Hereditary neoplastic syndrome. Identifiers: Orphanet 140162, MedGen C0027672, MeSH D009386, MONDO:0015356.

Allele frequency attached by ClinVar (database versions not stated): gnomAD exomes below 0.00001 and 0.00002; gnomAD 0.00001; TOPMed 0.00001; ExAC 0.00002; 1000 Genomes Project 30x 0.00016; 1000 Genomes Project 0.00020.
gnomAD v4.1: 8 of 1,613,672 alleles (0.0005%); highest among the groups gnomAD compares: Middle Eastern, 0.033%; no homozygotes.

Submissions (3):

Labcorp Genetics (formerly Invitae), Labcorp
Classification: Likely benign for Juvenile polyposis syndrome. Last evaluated: 2025-01-22. Review status: criteria provided, single submitter. Criteria: Invitae Variant Classification Sherloc (09022015). Collection method: clinical testing. Allele origin: germline.

Color Diagnostics, LLC DBA Color Health
Classification: Likely benign for Hereditary cancer-predisposing syndrome. Last evaluated: 2018-01-22. Review status: criteria provided, single submitter. Criteria: ACMG Guidelines, 2015. Collection method: clinical testing. Allele origin: germline.

GeneDx
Classification: Likely benign. Last evaluated: 2017-05-22. Review status: criteria provided, single submitter. Criteria: GeneDx Variant Classification (06012015). Collection method: clinical testing. Allele origin: germline. Affected: yes.
Comment: This variant is considered likely benign or benign based on one or more of the following criteria: it is a conservative change, it occurs at a poorly conserved position in the protein, it is predicted to be benign by multiple in silico algorithms, and/or has population frequency not consistent with disease.

NM_004329.3(BMPR1A):c.675+18A>G

Gene: BMPR1A (bone morphogenetic protein receptor type 1A; plus strand). Cytogenetic location: 10q23.2.
Variant type: single nucleotide variant.
Coding change: c.675+18A>G on transcript NM_004329.3 (MANE Select); 18 bases into the intron after coding-DNA position 675, A replaced by G.
Molecular consequence: intron variant.
Genome position (GRCh38, 1-based): chr10:86,912,402, A>G. VCF-style: chr10-86912402-A-G. GRCh37 (hg19) VCF-style: chr10-88672159-A-G.
Identifiers: ClinVar variation 516991 (VCV000516991.11), dbSNP rs533369424, ClinGen allele CA5585571.